The following is an entry in ClinVar:

NM_025137.4(SPG11):c.2014G>A (p.Glu672Lys)

Gene: SPG11 (SPG11 vesicle trafficking associated, spatacsin; minus strand). Cytogenetic location: 15q21.1.
Variant type: single nucleotide variant.
Coding change: c.2014G>A on transcript NM_025137.4 (MANE Select); coding-DNA position 2014, G replaced by A.
Protein change: p.Glu672Lys; replaces glutamic acid 672 with lysine.
Molecular consequence: missense variant.
Genome position (GRCh38, 1-based): chr15:44,628,722, C>T on the plus strand (G>A on the coding strand, the complement: SPG11 is on the minus strand). VCF-style: chr15-44628722-C-T. GRCh37 (hg19) VCF-style: chr15-44920920-C-T.
Other names: c.2014G>A, p.Glu672Lys (NM_001160227.2); short protein forms E672K.
Identifiers: ClinVar variation 861746 (VCV000861746.9), dbSNP rs2083972403, ClinGen allele CA392234168.

ClinVar aggregate classification (germline): Uncertain significance (1 of 4 stars; one submission).

Conditions:
Hereditary spastic paraplegia 11. Also called: SPASTIC PARAPLEGIA, AUTOSOMAL RECESSIVE, COMPLICATED, WITH THIN CORPUS CALLOSUM; SPASTIC PARAPLEGIA, AUTOSOMAL RECESSIVE, WITH MENTAL IMPAIRMENT AND THIN CORPUS CALLOSUM; Spastic paraplegia, mental retardation and thin corpus callosum; Nakamura Osame syndrome; Autosomal recessive hereditary spastic paraplegia, mental impairment, and thin corpus callosum; Spastic Paraplegia 11. Identifiers: Orphanet 2822, MedGen C1858479, MONDO:0011445, OMIM 604360.

Submission:

Labcorp Genetics (formerly Invitae), Labcorp
Classification: Uncertain significance for Hereditary spastic paraplegia 11. Last evaluated: 2023-06-30. Review status: criteria provided, single submitter. Criteria: Invitae Variant Classification Sherloc (09022015). Collection method: clinical testing. Allele origin: germline.
Comment: This sequence change replaces glutamic acid, which is acidic and polar, with lysine, which is basic and polar, at codon 672 of the SPG11 protein (p.Glu672Lys). This variant is not present in population databases (gnomAD no frequency). This variant has not been reported in the literature in individuals affected with SPG11-related conditions. ClinVar contains an entry for this variant (Variation ID: 861746). Advanced modeling of protein sequence and biophysical properties (such as structural, functional, and spatial information, amino acid conservation, physicochemical variation, residue mobility, and thermodynamic stability) performed at Invitae indicates that this missense variant is not expected to disrupt SPG11 protein function. In summary, the available evidence is currently insufficient to determine the role of this variant in disease. Therefore, it has been classified as a Variant of Uncertain Significance.